The following is an entry in ClinVar:

ClinVar aggregate classification (germline): Uncertain significance (1 of 4 stars; one submission).

Conditions:
Hereditary breast ovarian cancer syndrome. Also called: Hereditary breast and ovarian cancer syndrome (HBOC); Hereditary breast and/or ovarian cancer syndrome; BRCA1- and BRCA2-Associated Hereditary Breast and Ovarian Cancer; Hereditary breast and ovarian cancer syndrome; Hereditary breast and ovarian cancer; Breast and ovarian cancer. Identifiers: Orphanet 145, MedGen C0677776, MeSH D061325, MONDO:0003582. Disease mechanism: loss of function.

Submission:

Labcorp Genetics (formerly Invitae), Labcorp
Classification: Uncertain significance for Hereditary breast ovarian cancer syndrome. Last evaluated: 2020-03-23. Review status: criteria provided, single submitter. Criteria: Invitae Variant Classification Sherloc (09022015). Collection method: clinical testing. Allele origin: germline.
Comment: This sequence change replaces alanine with glutamic acid at codon 2889 of the BRCA2 protein (p.Ala2889Glu). The alanine residue is weakly conserved and there is a moderate physicochemical difference between alanine and glutamic acid. This variant is not present in population databases (ExAC no frequency). In summary, the available evidence is currently insufficient to determine the role of this variant in disease. Therefore, it has been classified as a Variant of Uncertain Significance. Algorithms developed to predict the effect of missense changes on protein structure and function (SIFT, PolyPhen-2, Align-GVGD) all suggest that this variant is likely to be tolerated, but these predictions have not been confirmed by published functional studies and their clinical significance is uncertain. This variant has not been reported in the literature in individuals with BRCA2-related conditions.

NM_000059.4(BRCA2):c.8666C>A (p.Ala2889Glu)

Gene: BRCA2 (BRCA2 DNA repair associated; plus strand). Cytogenetic location: 13q13.1.
Variant type: single nucleotide variant.
Coding change: c.8666C>A on transcript NM_000059.4 (MANE Select); coding-DNA position 8666, C replaced by A.
Protein change: p.Ala2889Glu; replaces alanine 2889 with glutamic acid.
Molecular consequence: missense variant.
Genome position (GRCh38, 1-based): chr13:32,376,703, C>A. VCF-style: chr13-32376703-C-A. GRCh37 (hg19) VCF-style: chr13-32950840-C-A.
Other names: short protein forms A2889E.
Identifiers: ClinVar variation 1015686 (VCV001015686.9), dbSNP rs2072874834, ClinGen allele CA387754732.